The following is an entry in ClinVar:

NM_002449.5(MSX2):c.673C>T (p.Pro225Ser)

Gene: MSX2 (msh homeobox 2; plus strand). Cytogenetic location: 5q35.2.
Variant type: single nucleotide variant.
Coding change: c.673C>T on transcript NM_002449.5 (MANE Select); coding-DNA position 673, C replaced by T.
Protein change: p.Pro225Ser; replaces proline 225 with serine.
Molecular consequence: missense variant. On other transcripts: 3 prime UTR variant (1).
Genome position (GRCh38, 1-based): chr5:174,729,452, C>T. VCF-style: chr5-174729452-C-T. GRCh37 (hg19) VCF-style: chr5-174156455-C-T.
Other names: c.*297C>T (NM_001363626.2); short protein forms P225S.
Identifiers: ClinVar variation 3253116 (VCV003253116.1), dbSNP rs2480603527.

ClinVar aggregate classification (germline): Uncertain significance (1 of 4 stars; one submission).

Allele frequency attached by ClinVar (database versions not stated): gnomAD exomes below 0.00001.

Submission:

GeneDx
Classification: Uncertain significance. Last evaluated: 2023-08-11. Review status: criteria provided, single submitter. Criteria: GeneDx Variant Classification Process June 2021. Collection method: clinical testing. Allele origin: germline. Affected: yes.
Comment: Not observed at significant frequency in large population cohorts (gnomAD); In silico analysis supports that this missense variant has a deleterious effect on protein structure/function; Has not been previously published as pathogenic or benign to our knowledge